The following is an entry in ClinVar:

NM_018191.4(RCBTB1):c.1324+4del

Gene: RCBTB1 (RCC1 and BTB domain containing protein 1; minus strand). Cytogenetic location: 13q14.2.
Variant type: Deletion.
Coding change: c.1324+4del on transcript NM_018191.4 (MANE Select); 4 bases into the intron after coding-DNA position 1324, one base deleted (C; older notation c.1324+4delC).
Molecular consequence: intron variant.
Genome position (GRCh38, 1-based): chr13:49,541,672, G deleted on the plus strand (C on the coding strand, the reverse complement: RCBTB1 is on the minus strand). VCF-style (leftmost placement, unchanged base first): chr13-49541671-AG-A. GRCh37 (hg19) VCF-style: chr13-50115807-AG-A.
Other names: c.1324+4del (NM_001352501.2, NM_001352502.2, NM_001352503.2 and 2 more transcripts); c.745+4del (NM_001352506.2).
Identifiers: ClinVar variation 2054479 (VCV002054479.4), dbSNP rs2547416107, ClinGen allele CA2580087609.

ClinVar aggregate classification (germline): Uncertain significance (1 of 4 stars; one submission).

Submission:

Labcorp Genetics (formerly Invitae), Labcorp
Classification: Uncertain significance. Last evaluated: 2021-12-23. Review status: criteria provided, single submitter. Criteria: Invitae Variant Classification Sherloc (09022015). Collection method: clinical testing. Allele origin: germline.
Comment: In summary, the available evidence is currently insufficient to determine the role of this variant in disease. Therefore, it has been classified as a Variant of Uncertain Significance. Variants that disrupt the consensus splice site are a relatively common cause of aberrant splicing (PMID: 17576681, 9536098). Algorithms developed to predict the effect of sequence changes on RNA splicing suggest that this variant may create or strengthen a splice site. This variant has not been reported in the literature in individuals affected with RCBTB1-related conditions. This variant is not present in population databases (gnomAD no frequency). This sequence change falls in intron 11 of the RCBTB1 gene. It does not directly change the encoded amino acid sequence of the RCBTB1 protein. It affects a nucleotide within the consensus splice site.

Literature cited by the submitters: PubMed 17576681; PubMed 9536098.